The following is an entry in ClinVar:

ClinVar aggregate classification (germline): Uncertain significance. Review status: criteria provided, multiple submitters, no conflicts (2 of 4 stars). 2 submissions from 2 submitters: Uncertain significance (2). Last evaluated 2022-03-01.

Conditions:
Hereditary cancer-predisposing syndrome. Also called: Neoplastic Syndromes, Hereditary; Tumor predisposition; Hereditary Cancer Syndrome; Hereditary neoplastic syndrome. Identifiers: Orphanet 140162, MedGen C0027672, MeSH D009386, MONDO:0015356.
Ataxia-telangiectasia syndrome (AT). Also called: Ataxia telangiectasia (A-T); ATAXIA-TELANGIECTASIA, COMPLEMENTATION GROUP A; ATAXIA-TELANGIECTASIA, FRESNO VARIANT; Ataxia-telangiectasia; Ataxia-telangiectasia, complementation group E; LOUIS-BAR SYNDROME. Identifiers: Orphanet 100, MedGen C0004135, MONDO:0008840, OMIM 208900.

Allele frequency attached by ClinVar (database versions not stated): gnomAD exomes below 0.00001.
gnomAD v4.1: 1 of 1,613,062 alleles (0.000062%); highest among the groups gnomAD compares: Non-Finnish European, 0.000085%; no homozygotes.

Submissions (2):

Ambry Genetics
Classification: Uncertain significance for Hereditary cancer-predisposing syndrome. Last evaluated: 2022-03-01. Review status: criteria provided, single submitter. Criteria: Ambry Variant Classification Scheme 2023. Collection method: clinical testing. Allele origin: germline.
Comment: The p.L2255F variant (also known as c.6763C>T), located in coding exon 45 of the ATM gene, results from a C to T substitution at nucleotide position 6763. The leucine at codon 2255 is replaced by phenylalanine, an amino acid with highly similar properties. This amino acid position is conserved. In addition, the in silico prediction for this alteration is inconclusive. Since supporting evidence is limited at this time, the clinical significance of this alteration remains unclear.

Labcorp Genetics (formerly Invitae), Labcorp
Classification: Uncertain significance for Ataxia-telangiectasia syndrome. Last evaluated: 2020-01-09. Review status: criteria provided, single submitter. Criteria: Invitae Variant Classification Sherloc (09022015). Collection method: clinical testing. Allele origin: germline.
Comment: This variant is not present in population databases (ExAC no frequency). This variant has not been reported in the literature in individuals with ATM-related conditions. This sequence change replaces leucine with phenylalanine at codon 2255 of the ATM protein (p.Leu2255Phe). The leucine residue is highly conserved and there is a small physicochemical difference between leucine and phenylalanine. In summary, the available evidence is currently insufficient to determine the role of this variant in disease. Therefore, it has been classified as a Variant of Uncertain Significance. Algorithms developed to predict the effect of missense changes on protein structure and function are either unavailable or do not agree on the potential impact of this missense change (SIFT: "Deleterious"; PolyPhen-2: "Probably Damaging"; Align-GVGD: "Class C15").

NM_000051.4(ATM):c.6763C>T (p.Leu2255Phe)

Genes: ATM (ATM serine/threonine kinase; plus strand), C11orf65 (chromosome 11 open reading frame 65; minus strand). Cytogenetic location: 11q22.3.
Variant type: single nucleotide variant.
Coding change: c.6763C>T on transcript NM_000051.4 (MANE Select); coding-DNA position 6763, C replaced by T.
Protein change: p.Leu2255Phe; replaces leucine 2255 with phenylalanine.
Molecular consequence: missense variant. On other transcripts: intron variant (2).
Genome position (GRCh38, 1-based): chr11:108,325,500, C>T. VCF-style: chr11-108325500-C-T. GRCh37 (hg19) VCF-style: chr11-108196227-C-T.
Other names: c.6763C>T, p.Leu2255Phe (NM_001351834.2); c.641-16429G>A (NM_001330368.2); c.*38+9720G>A (NM_001351110.2); short protein forms L2255F.
Identifiers: ClinVar variation 1009840 (VCV001009840.11), dbSNP rs2085578159, ClinGen allele CA382555361.